The following is an entry in ClinVar:

NM_001330288.2(SMARCC2):c.691C>T (p.Pro231Ser)

Gene: SMARCC2 (SWI/SNF related BAF chromatin remodeling complex subunit C2; minus strand). Cytogenetic location: 12q13.2.
Variant type: single nucleotide variant.
Coding change: c.691C>T on transcript NM_001330288.2 (MANE Select); coding-DNA position 691, C replaced by T.
Protein change: p.Pro231Ser; replaces proline 231 with serine.
Molecular consequence: missense variant.
Genome position (GRCh38, 1-based): chr12:56,182,021, G>A on the plus strand (C>T on the coding strand, the complement: SMARCC2 is on the minus strand). VCF-style: chr12-56182021-G-A. GRCh37 (hg19) VCF-style: chr12-56575805-G-A.
Other names: c.691C>T, p.Pro231Ser (NM_001130420.3, NM_003075.5, NM_139067.4); short protein forms P231S.
Identifiers: ClinVar variation 1308727 (VCV001308727.2), dbSNP rs2135735976, ClinGen allele CA385354023.

ClinVar aggregate classification (germline): Uncertain significance (1 of 4 stars; one submission).

Allele frequency attached by ClinVar (database versions not stated): gnomAD exomes below 0.00001.
gnomAD v4.1: 5 of 1,611,936 alleles (0.00031%); highest among the groups gnomAD compares: Non-Finnish European, 0.00034%; no homozygotes.

Submission:

GeneDx
Classification: Uncertain significance. Last evaluated: 2019-10-04. Review status: criteria provided, single submitter. Criteria: GeneDx Variant Classification Process June 2021. Collection method: clinical testing. Allele origin: germline. Affected: yes.
Comment: Not observed in large population cohorts (Lek et al., 2016); In silico analysis, which includes protein predictors and evolutionary conservation, supports that this variant does not alter protein structure/function; Has not been previously published as pathogenic or benign to our knowledge